The following is an entry in ClinVar:

NM_001621.5(AHR):c.169C>G (p.Pro57Ala)

Gene: AHR (aryl hydrocarbon receptor; plus strand). Cytogenetic location: 7p21.1.
Variant type: single nucleotide variant.
Coding change: c.169C>G on transcript NM_001621.5 (MANE Select); coding-DNA position 169, C replaced by G.
Protein change: p.Pro57Ala; replaces proline 57 with alanine.
Molecular consequence: missense variant.
Genome position (GRCh38, 1-based): chr7:17,310,039, C>G. VCF-style: chr7-17310039-C-G. GRCh37 (hg19) VCF-style: chr7-17349663-C-G.
Other names: short protein forms P57A.
Identifiers: ClinVar variation 1395230 (VCV001395230.6), dbSNP rs904853360, ClinGen allele CA154095156.

ClinVar aggregate classification (germline): Uncertain significance (1 of 4 stars; one submission).

Submission:

Labcorp Genetics (formerly Invitae), Labcorp
Classification: Uncertain significance. Last evaluated: 2021-11-26. Review status: criteria provided, single submitter. Criteria: Invitae Variant Classification Sherloc (09022015). Collection method: clinical testing. Allele origin: germline.
Comment: This variant is not present in population databases (gnomAD no frequency). This sequence change replaces proline, which is neutral and non-polar, with alanine, which is neutral and non-polar, at codon 57 of the AHR protein (p.Pro57Ala). This variant has not been reported in the literature in individuals affected with AHR-related conditions. Algorithms developed to predict the effect of missense changes on protein structure and function are either unavailable or do not agree on the potential impact of this missense change (SIFT: "Tolerated"; PolyPhen-2: "Probably Damaging"; Align-GVGD: "Class C0"). In summary, the available evidence is currently insufficient to determine the role of this variant in disease. Therefore, it has been classified as a Variant of Uncertain Significance.